The following is an entry in ClinVar:

ClinVar aggregate classification (germline): Uncertain significance. Review status: criteria provided, multiple submitters, no conflicts (2 of 4 stars). 2 submissions from 2 submitters: Uncertain significance (2). Last evaluated 2025-09-03.

Conditions:
TCOF1-related disorder. Also called: TCOF1-related condition.
Treacher Collins syndrome 1 (TCS1). Also called: TCOF1-Related Treacher Collins Syndrome. Identifiers: Orphanet 861, MedGen CN315775, MONDO:0007944, OMIM 154500.

Allele frequency attached by ClinVar (database versions not stated): gnomAD exomes below 0.00001 and 0.00001; ExAC 0.00001; TOPMed 0.00002.
gnomAD v4.1: 2 of 1,614,054 alleles (0.00012%); highest among the groups gnomAD compares: Admixed American, 0.0033%; no homozygotes.

Submissions (2):

PreventionGenetics, part of Exact Sciences
Classification: Uncertain significance for TCOF1-related condition. Last evaluated: 2025-09-03. Review status: criteria provided, single submitter. Criteria: ACMG Guidelines, 2015. Collection method: clinical testing. Allele origin: germline.
Comment: The TCOF1 c.2458A>G variant is predicted to result in the amino acid substitution p.Lys820Glu. To our knowledge, this variant has not been reported in the literature. This variant is reported in 0.0058% of alleles in individuals of Latino descent in gnomAD. At this time, the clinical significance of this variant is uncertain due to the absence of conclusive functional and genetic evidence.

Labcorp Genetics (formerly Invitae), Labcorp
Classification: Uncertain significance for Treacher Collins syndrome 1. Last evaluated: 2021-12-31. Review status: criteria provided, single submitter. Criteria: Invitae Variant Classification Sherloc (09022015). Collection method: clinical testing. Allele origin: germline.
Comment: Algorithms developed to predict the effect of missense changes on protein structure and function (SIFT, PolyPhen-2, Align-GVGD) all suggest that this variant is likely to be disruptive. In summary, the available evidence is currently insufficient to determine the role of this variant in disease. Therefore, it has been classified as a Variant of Uncertain Significance. This missense change has been observed in at least one individual who was not affected with TCOF1-related conditions (Invitae). This sequence change replaces lysine, which is basic and polar, with glutamic acid, which is acidic and polar, at codon 820 of the TCOF1 protein (p.Lys820Glu). This variant is present in population databases (rs773887777, gnomAD 0.006%). This variant has not been reported in the literature in individuals affected with TCOF1-related conditions.

NM_001371623.1(TCOF1):c.2458A>G (p.Lys820Glu)

Gene: TCOF1 (treacle ribosome biogenesis factor 1; plus strand). Cytogenetic location: 5q32.
Variant type: single nucleotide variant.
Coding change: c.2458A>G on transcript NM_001371623.1 (MANE Select); coding-DNA position 2458, A replaced by G.
Protein change: p.Lys820Glu; replaces lysine 820 with glutamic acid.
Molecular consequence: missense variant.
Genome position (GRCh38, 1-based): chr5:150,379,022, A>G. VCF-style: chr5-150379022-A-G. GRCh37 (hg19) VCF-style: chr5-149758585-A-G.
Other names: c.2227A>G, p.Lys743Glu (NM_000356.4, NM_001135245.2); c.2458A>G, p.Lys820Glu (NM_001008657.3, NM_001135243.2, NM_001135244.2 and 1 more transcripts); c.2458A>G (NM_001135243.1); short protein forms K743E, K820E.
Identifiers: ClinVar variation 1389859 (VCV001389859.9), dbSNP rs773887777, ClinGen allele CA3511167.